The following is an entry in ClinVar:

NM_001127222.2(CACNA1A):c.841del (p.Cys281fs)

Gene: CACNA1A (calcium voltage-gated channel subunit alpha1 A; minus strand). Cytogenetic location: 19p13.13.
Variant type: Deletion.
Coding change: c.841del on transcript NM_001127222.2 (MANE Select); coding-DNA position 841, one base deleted (T; older notation c.841delT).
Protein change: p.Cys281fs; shifts the reading frame from cysteine 281.
Molecular consequence: frameshift variant.
Genome position (GRCh38, 1-based): chr19:13,359,743, A deleted on the plus strand (T on the coding strand, the reverse complement: CACNA1A is on the minus strand). VCF-style (leftmost placement, unchanged base first): chr19-13359742-CA-C. GRCh37 (hg19) VCF-style: chr19-13470556-CA-C.
Other names: c.841del, p.Cys281fs (NM_000068.4, NM_001127221.2, NM_001174080.2 and 1 more transcripts); short protein forms C281fs.
Identifiers: ClinVar variation 1398258 (VCV001398258.7), dbSNP rs2145245595, ClinGen allele CA2573156132.

ClinVar aggregate classification (germline): Pathogenic. Review status: criteria provided, multiple submitters, no conflicts (2 of 4 stars). 2 submissions from 2 submitters: Pathogenic (2). Last evaluated 2022-06-09.

Conditions:
Developmental and epileptic encephalopathy, 42 (DEE42A). Also called: Epileptic encephalopathy, early infantile, 42; DEVELOPMENTAL AND EPILEPTIC ENCEPHALOPATHY 42A; EPILEPTIC ENCEPHALOPATHY, EARLY INFANTILE, 42A. Identifiers: MedGen C4310716, MONDO:0014917, OMIM 617106.
Episodic ataxia type 2 (EA2). Also called: EPISODIC ATAXIA, NYSTAGMUS-ASSOCIATED; ACETAZOLAMIDE-RESPONSIVE HEREDITARY PAROXYSMAL CEREBELLAR ATAXIA; ATAXIA, EPISODIC, WITH NYSTAGMUS; ATAXIA, FAMILIAL PAROXYSMAL; CEREBELLAR ATAXIA, PAROXYSMAL, ACETAZOLAMIDE-RESPONSIVE; CEREBELLOPATHY, HEREDITARY PAROXYSMAL. Identifiers: Orphanet 97, MedGen C1720416, MONDO:0007163, OMIM 108500.
Migraine, familial hemiplegic, 1. Also called: MIGRAINE, FAMILIAL HEMIPLEGIC 1, WITH PROGRESSIVE CEREBELLAR ATAXIA. Identifiers: Orphanet 569, MedGen C1832884, MONDO:0020756, OMIM 141500, MONDO:0007714.
Spinocerebellar ataxia type 6 (SCA6). Identifiers: Orphanet 98758, MedGen C0752124, MONDO:0008457, OMIM 183086.
Developmental and epileptic encephalopathy, 52 (DEE52). Also called: Epileptic encephalopathy, early infantile, 52. Identifiers: MedGen C4479236, MONDO:0033361, OMIM 617350.

Submissions (2):

Labcorp Genetics (formerly Invitae), Labcorp
Classification: Pathogenic for Developmental and epileptic encephalopathy, 42; Episodic ataxia type 2. Last evaluated: 2022-06-09. Review status: criteria provided, single submitter. Criteria: Invitae Variant Classification Sherloc (09022015). Collection method: clinical testing. Allele origin: germline.
Comment: This sequence change creates a premature translational stop signal (p.Cys281Alafs*29) in the CACNA1A gene. It is expected to result in an absent or disrupted protein product. Loss-of-function variants in CACNA1A are known to be pathogenic (PMID: 10371528, 19486177, 25735478, 27250579). This variant is not present in population databases (gnomAD no frequency). This variant has not been reported in the literature in individuals affected with CACNA1A-related conditions. For these reasons, this variant has been classified as Pathogenic.

Wendy Chung Laboratory, Boston Children's Hospital
Classification: Pathogenic for Developmental and epileptic encephalopathy, 52; Episodic ataxia type 2; Migraine, familial hemiplegic, 1; Spinocerebellar ataxia type 6. Last evaluated: 2022-03-20. Review status: criteria provided, single submitter. Criteria: ACMG Guidelines, 2015. Collection method: clinical testing. Allele origin: unknown. Affected: yes.

Literature cited by the submitters: PubMed 10371528 (cited by Labcorp Genetics (formerly Invitae), Labcorp); PubMed 19486177 (cited by Labcorp Genetics (formerly Invitae), Labcorp); PubMed 25735478 (cited by Labcorp Genetics (formerly Invitae), Labcorp); PubMed 27250579 (cited by Labcorp Genetics (formerly Invitae), Labcorp).